The following is an entry in ClinVar:

ClinVar aggregate classification (germline): Uncertain significance. Review status: criteria provided, multiple submitters, no conflicts (2 of 4 stars). 2 submissions from 2 submitters: Uncertain significance (2). Last evaluated 2025-12-02.

Conditions:
Inborn genetic diseases. Identifiers: MedGen C0950123, MeSH D030342.

Allele frequency attached by ClinVar (database versions not stated): gnomAD 0.00001; gnomAD exomes 0.00001; TOPMed 0.00001.

Submissions (2):

Ambry Genetics
Classification: Uncertain significance for Inborn genetic diseases. Last evaluated: 2025-12-02. Review status: criteria provided, single submitter. Criteria: Ambry Variant Classification Scheme 2023. Collection method: clinical testing. Allele origin: germline.

Labcorp Genetics (formerly Invitae), Labcorp
Classification: Uncertain significance. Last evaluated: 2025-11-21. Review status: criteria provided, single submitter. Criteria: Invitae Variant Classification Sherloc (09022015). Collection method: clinical testing. Allele origin: germline.
Comment: This sequence change replaces valine, which is neutral and non-polar, with methionine, which is neutral and non-polar, at codon 2841 of the SZT2 protein (p.Val2841Met). This variant is present in population databases (no rsID available, gnomAD 0.006%). This variant has not been reported in the literature in individuals affected with SZT2-related conditions. ClinVar contains an entry for this variant (Variation ID: 1008356). Invitae Evidence Modeling of protein sequence and biophysical properties (such as structural, functional, and spatial information, amino acid conservation, physicochemical variation, residue mobility, and thermodynamic stability) indicates that this missense variant is not expected to disrupt SZT2 protein function with a negative predictive value of 80%. In summary, the available evidence is currently insufficient to determine the role of this variant in disease. Therefore, it has been classified as a Variant of Uncertain Significance.

NM_001365999.1(SZT2):c.8692G>A (p.Val2898Met)

Gene: SZT2 (SZT2 subunit of KICSTOR complex; plus strand). Cytogenetic location: 1p34.2.
Variant type: single nucleotide variant.
Coding change: c.8692G>A on transcript NM_001365999.1 (MANE Select); coding-DNA position 8692, G replaced by A.
Protein change: p.Val2898Met; replaces valine 2898 with methionine.
Molecular consequence: missense variant.
Genome position (GRCh38, 1-based): chr1:43,443,663, G>A. VCF-style: chr1-43443663-G-A. GRCh37 (hg19) VCF-style: chr1-43909334-G-A.
Other names: c.8521G>A, p.Val2841Met (NM_015284.4); c.8521G>A (NM_015284.3); short protein forms V2898M, V2841M.
Identifiers: ClinVar variation 1008356 (VCV001008356.9), dbSNP rs889537876, ClinGen allele CA21649107.